The following is an entry in ClinVar:

NM_001261826.3(AP3D1):c.2001+138C>G

Gene: AP3D1 (adaptor related protein complex 3 subunit delta 1; minus strand). Cytogenetic location: 19p13.3.
Variant type: single nucleotide variant.
Coding change: c.2001+138C>G on transcript NM_001261826.3 (MANE Select); 138 bases into the intron after coding-DNA position 2001, C replaced by G.
Molecular consequence: intron variant.
Genome position (GRCh38, 1-based): chr19:2,116,467, G>C on the plus strand (C>G on the coding strand, the complement: AP3D1 is on the minus strand). VCF-style: chr19-2116467-G-C. GRCh37 (hg19) VCF-style: chr19-2116466-G-C.
Other names: NC_000019.9:g.2116466G>C; c.2001+138C>G (NM_003938.8, NM_001374799.1).
Identifiers: ClinVar variation 1278367 (VCV001278367.5), dbSNP rs734727, ClinGen allele CA14651175.

ClinVar aggregate classification (germline): Benign. Review status: criteria provided, multiple submitters, no conflicts (2 of 4 stars). 3 submissions from 3 submitters: Benign (3). Last evaluated 2023-11-12.

Allele frequency attached by ClinVar (database versions not stated): gnomAD 0.30358 and 0.30500; TOPMed 0.30510; 1000 Genomes Project 30x 0.32042; 1000 Genomes Project 0.32668.
gnomAD v4.1: 320,244 of 1,278,628 alleles (25%); highest among the groups gnomAD compares: African/African-American, 47%; 43,438 homozygotes.

Submissions (9):

Unidad de Genómica Garrahan, Hospital de Pediatría Garrahan
Classification: Benign. Last evaluated: 2023-11-12. Review status: criteria provided, single submitter. Criteria: ACMG Guidelines, 2015. Collection method: clinical testing. Allele origin: germline. Affected: no. Observed: 32 variant alleles.
Comment: This variant is classified as Benign based on local population frequency. This variant was detected in 33% of patients studied by a panel of primary immunodeficiencies. Number of patients: 32. Only high quality variants are reported.

GeneDx
Classification: Benign. Last evaluated: 2018-11-27. Review status: criteria provided, single submitter. Criteria: GeneDx Variant Classification Process June 2021. Collection method: clinical testing. Allele origin: germline. Affected: yes.

Breakthrough Genomics
Classification: Benign. Review status: criteria provided, single submitter. Criteria: ACMG Guidelines, 2015. Collection method: not provided. Allele origin: germline. Inheritance: Autosomal recessive inheritance. Affected: yes.

Dr. Peter K. Rogan Lab, Western University
No classification provided (evidence only). Condition: Acute myeloid leukemia. Review status: no classification provided. Collection method: in vitro. Allele origin: not applicable. Functional consequence: retained intron. Not counted in ClinVar's aggregate classification.

Dr. Peter K. Rogan Lab, Western University
No classification provided (evidence only). Condition: Acute myeloid leukemia. Review status: no classification provided. Collection method: in vitro. Allele origin: not applicable. Functional consequence: retained intron. Not counted in ClinVar's aggregate classification.

Dr. Peter K. Rogan Lab, Western University
No classification provided (evidence only). Condition: Acute myeloid leukemia. Review status: no classification provided. Collection method: in vitro. Allele origin: not applicable. Functional consequence: retained intron. Not counted in ClinVar's aggregate classification.

Dr. Peter K. Rogan Lab, Western University
No classification provided (evidence only). Condition: Malignant lymphoma, large B-cell, diffuse. Review status: no classification provided. Collection method: in vitro. Allele origin: not applicable. Functional consequence: retained intron. Not counted in ClinVar's aggregate classification.

Dr. Peter K. Rogan Lab, Western University
No classification provided (evidence only). Condition: Malignant lymphoma, large B-cell, diffuse. Review status: no classification provided. Collection method: in vitro. Allele origin: not applicable. Functional consequence: retained intron. Not counted in ClinVar's aggregate classification.

Dr. Peter K. Rogan Lab, Western University
No classification provided (evidence only). Condition: Uterine carcinosarcoma. Review status: no classification provided. Collection method: in vitro. Allele origin: not applicable. Functional consequence: retained intron. Not counted in ClinVar's aggregate classification.